The following is an entry in ClinVar:

NM_000285.4(PEPD):c.1331G>A (p.Arg444His)

Gene: PEPD (peptidase D; minus strand). Cytogenetic location: 19q13.11.
Variant type: single nucleotide variant.
Coding change: c.1331G>A on transcript NM_000285.4 (MANE Select); coding-DNA position 1331, G replaced by A.
Protein change: p.Arg444His; replaces arginine 444 with histidine.
Molecular consequence: missense variant.
Genome position (GRCh38, 1-based): chr19:33,387,903, C>T on the plus strand (G>A on the coding strand, the complement: PEPD is on the minus strand). VCF-style: chr19-33387903-C-T. GRCh37 (hg19) VCF-style: chr19-33878809-C-T.
Other names: c.1208G>A, p.Arg403His (NM_001166056.2); c.1139G>A, p.Arg380His (NM_001166057.2); short protein forms R380H, R444H, R403H.
Identifiers: ClinVar variation 1047368 (VCV001047368.10), dbSNP rs371934154, ClinGen allele CA9363920.

ClinVar aggregate classification (germline): Uncertain significance. Review status: criteria provided, multiple submitters, no conflicts (2 of 4 stars). 3 submissions from 3 submitters: Uncertain significance (3). Last evaluated 2025-10-21.

Allele frequency attached by ClinVar (database versions not stated): gnomAD 0.00007 and 0.00006; ESP Exome Variant Server 0.00008; gnomAD exomes 0.00004 and 0.00009; ExAC 0.00005; TOPMed 0.00009.
gnomAD v4.1: 144 of 1,574,110 alleles (0.0091%); highest among the groups gnomAD compares: African/African-American, 0.02%; no homozygotes.

Submissions (3):

Labcorp Genetics (formerly Invitae), Labcorp
Classification: Uncertain significance. Last evaluated: 2025-10-21. Review status: criteria provided, single submitter. Criteria: Invitae Variant Classification Sherloc (09022015). Collection method: clinical testing. Allele origin: germline.
Comment: This sequence change replaces arginine, which is basic and polar, with histidine, which is basic and polar, at codon 444 of the PEPD protein (p.Arg444His). This variant is present in population databases (rs371934154, gnomAD 0.007%). This variant has not been reported in the literature in individuals affected with PEPD-related conditions. ClinVar contains an entry for this variant (Variation ID: 1047368). Invitae Evidence Modeling of protein sequence and biophysical properties (such as structural, functional, and spatial information, amino acid conservation, physicochemical variation, residue mobility, and thermodynamic stability) indicates that this missense variant is not expected to disrupt PEPD protein function with a negative predictive value of 95%. In summary, the available evidence is currently insufficient to determine the role of this variant in disease. Therefore, it has been classified as a Variant of Uncertain Significance.

Blueprint Genetics
Classification: Uncertain significance. Last evaluated: 2023-08-07. Review status: criteria provided, single submitter. Criteria: ACMG Guidelines, 2015. Collection method: clinical testing. Allele origin: germline.

GeneDx
Classification: Uncertain significance. Last evaluated: 2022-03-28. Review status: criteria provided, single submitter. Criteria: GeneDx Variant Classification Process June 2021. Collection method: clinical testing. Allele origin: germline. Affected: yes.
Comment: In silico analysis supports that this missense variant has a deleterious effect on protein structure/function; Has not been previously published as pathogenic or benign to our knowledge